The following is an entry in ClinVar:

ClinVar aggregate classification (germline): Uncertain significance (1 of 4 stars; one submission).

gnomAD v4.1: 14 of 1,613,892 alleles (0.00087%); highest among the groups gnomAD compares: Admixed American, 0.022%; no homozygotes.

Submission:

Ambry Genetics
Classification: Uncertain significance. Last evaluated: 2025-05-31. Review status: criteria provided, single submitter. Criteria: Ambry Variant Classification Scheme 2023. Collection method: clinical testing. Allele origin: germline.
Comment: The p.P438S variant (also known as c.1312C>T), located in coding exon 1 of the TET2 gene, results from a C to T substitution at nucleotide position 1312. The proline at codon 438 is replaced by serine, an amino acid with similar properties. This amino acid position is conserved. In addition, this alteration is predicted to be tolerated by in silico analysis. Based on the available evidence, the clinical significance of this variant remains unclear.

NM_001127208.3(TET2):c.1312C>T (p.Pro438Ser)

Genes: TET2 (tet methylcytosine dioxygenase 2; plus strand), TET2-AS1 (TET2 antisense RNA 1; minus strand). Cytogenetic location: 4q24.
Variant type: single nucleotide variant.
Coding change: c.1312C>T on transcript NM_001127208.3 (MANE Select); coding-DNA position 1312, C replaced by T.
Protein change: p.Pro438Ser; replaces proline 438 with serine.
Molecular consequence: missense variant.
Genome position (GRCh38, 1-based): chr4:105,235,254, C>T. VCF-style: chr4-105235254-C-T. GRCh37 (hg19) VCF-style: chr4-106156411-C-T.
Other names: c.1312C>T, p.Pro438Ser (NM_017628.4); short protein forms P438S.
Identifiers: ClinVar variation 3967680 (VCV003967680.1).